The following is an entry in ClinVar:

ClinVar aggregate classification (germline): Uncertain significance (1 of 4 stars; one submission).

Allele frequency attached by ClinVar (database versions not stated): gnomAD exomes 0.00001; ExAC 0.00003; TOPMed 0.00003; gnomAD 0.00008; 1000 Genomes Project 30x 0.00031; 1000 Genomes Project 0.00040.
gnomAD v4.1: 31 of 1,611,090 alleles (0.0019%); highest among the groups gnomAD compares: Middle Eastern, 0.05%; no homozygotes.

Submission:

Labcorp Genetics (formerly Invitae), Labcorp
Classification: Uncertain significance. Last evaluated: 2022-10-08. Review status: criteria provided, single submitter. Criteria: Invitae Variant Classification Sherloc (09022015). Collection method: clinical testing. Allele origin: germline.
Comment: This sequence change replaces isoleucine, which is neutral and non-polar, with valine, which is neutral and non-polar, at codon 232 of the XPC protein (p.Ile232Val). This variant is present in population databases (rs531251219, gnomAD 0.006%). This variant has not been reported in the literature in individuals affected with XPC-related conditions. Advanced modeling of protein sequence and biophysical properties (such as structural, functional, and spatial information, amino acid conservation, physicochemical variation, residue mobility, and thermodynamic stability) performed at Invitae indicates that this missense variant is not expected to disrupt XPC protein function. In summary, the available evidence is currently insufficient to determine the role of this variant in disease. Therefore, it has been classified as a Variant of Uncertain Significance.

NM_004628.5(XPC):c.694A>G (p.Ile232Val)

Gene: XPC (XPC complex subunit, DNA damage recognition and repair factor; minus strand). Cytogenetic location: 3p25.1.
Variant type: single nucleotide variant.
Coding change: c.694A>G on transcript NM_004628.5 (MANE Select); coding-DNA position 694, A replaced by G.
Protein change: p.Ile232Val; replaces isoleucine 232 with valine.
Molecular consequence: missense variant. On other transcripts: non-coding transcript variant (2).
Genome position (GRCh38, 1-based): chr3:14,165,513, T>C on the plus strand (A>G on the coding strand, the complement: XPC is on the minus strand). VCF-style: chr3-14165513-T-C. GRCh37 (hg19) VCF-style: chr3-14207013-T-C.
Other names: c.115A>G, p.Ile39Val (NM_001354726.2); c.694A>G, p.Ile232Val (NM_001354727.2, NM_001354730.2); c.676A>G, p.Ile226Val (NM_001354729.2); short protein forms I232V, I226V, I39V.
Identifiers: ClinVar variation 2146806 (VCV002146806.1), dbSNP rs531251219, ClinGen allele CA2267619.